The following is an entry in ClinVar:

NM_022356.4(P3H1):c.1570-20_1572del

Gene: P3H1 (prolyl 3-hydroxylase 1; minus strand). Cytogenetic location: 1p34.2.
Variant type: Deletion.
Coding change: c.1570-20_1572del on transcript NM_022356.4 (MANE Select); 20 bases into the intron before coding-DNA position 1570 through coding-DNA position 1572, 23 bases deleted (ACCATCTGTCTCCTTGGCAGCTG).
Molecular consequence: splice acceptor variant.
Genome position (GRCh38, 1-based): chr1:42,750,334-42,750,356, CAGCTGCCAAGGAGACAGATGGT deleted on the plus strand (ACCATCTGTCTCCTTGGCAGCTG on the coding strand, the reverse complement: P3H1 is on the minus strand); deleting any 23 consecutive bases within chr1:42,750,334-42,750,364 gives the same sequence; the c. name uses the placement nearest the transcript's 3' end. VCF-style (leftmost placement, unchanged base first): chr1-42750333-CCAGCTGCCAAGGAGACAGATGGT-C. GRCh37 (hg19) VCF-style: chr1-43216004-CCAGCTGCCAAGGAGACAGATGGT-C.
Other names: c.1570-20_1572del (NM_001146289.2, NM_001243246.2).
Identifiers: ClinVar variation 3255599 (VCV003255599.2).

ClinVar aggregate classification (germline): Likely pathogenic (1 of 4 stars; one submission).

Conditions:
Osteogenesis imperfecta type 8 (OI8). Identifiers: MedGen C1970458, MONDO:0012581, OMIM 610915.

Submission:

Breakthrough Genomics
Classification: Likely pathogenic for Osteogenesis imperfecta type 8. Last evaluated: 2020-10-23. Review status: criteria provided, single submitter. Criteria: ACMG Guidelines, 2015. Collection method: clinical testing. Allele origin: germline. Affected: yes.
Comment: This variant lies in the essential splice acceptor site, in intron 10-exon 11 boundary of the P3H1 gene. In-silico splice prediction tools (ASSP and NNSPLICE) suggest that this variant might affect splicing due to the loss of constitutive splice site and introduction of a new splice site, which in turn might lead to a frameshift and consequent premature termination of the protein; this will likely result in loss-of-function. The variant seems to be a novel variant, as it has not been previously reported in population or public databases or in the literature. Loss-of-function variants in P3H1 are known to be pathogenic [PMID: 17277775, 18566967, 19088120, 22281939].